The following is an entry in ClinVar:

ClinVar aggregate classification (germline): Likely benign. Review status: criteria provided, multiple submitters, no conflicts (2 of 4 stars). 8 submissions from 5 submitters: Likely benign (8). Last evaluated 2025-09-10.

Conditions:
Hypokalemic periodic paralysis, type 1. Also called: HypoPP; Hypokalemic Periodic Paralysis Type 1 (AD). Identifiers: Orphanet 681, MedGen C3714580, MONDO:0042979, OMIM 170400.
Malignant hyperthermia, susceptibility to, 5 (MHS5). Also called: CACNA1S-Related Malignant Hyperthermia Susceptibility. Identifiers: Orphanet 423, MedGen C1866077, MONDO:0011163, OMIM 601887.
Thyrotoxic periodic paralysis, susceptibility to, 1 (TTPP1). Identifiers: Orphanet 79102, MedGen C2749982, MONDO:0008570, OMIM 188580.
Congenital myopathy 18. Also called: Myopathy, congenital, due to dihydropyridine receptor defect; DIHYDROPYRIDINE RECEPTOR CONGENITAL MYOPATHY; DHPR CONGENITAL MYOPATHY. Identifiers: MedGen C5830283, MONDO:0859514, OMIM 620246.

Allele frequency attached by ClinVar (database versions not stated): ExAC 0.00001; gnomAD 0.00001; gnomAD exomes 0.00002; TOPMed 0.00002.
gnomAD v4.1: 29 of 1,613,604 alleles (0.0018%); highest among the groups gnomAD compares: Middle Eastern, 0.016%; no homozygotes.

Submissions (8):

Labcorp Genetics (formerly Invitae), Labcorp
Classification: Likely benign for Hypokalemic periodic paralysis, type 1; Malignant hyperthermia, susceptibility to, 5. Last evaluated: 2025-09-10. Review status: criteria provided, single submitter. Criteria: Invitae Variant Classification Sherloc (09022015). Collection method: clinical testing. Allele origin: germline.

All of Us Research Program, National Institutes of Health
Classification: Likely benign for Malignant hyperthermia, susceptibility to, 5. Last evaluated: 2023-05-16. Review status: criteria provided, single submitter. Criteria: ACMG Guidelines, 2015. Collection method: clinical testing. Allele origin: germline. Inheritance: Autosomal dominant inheritance. Observed: 2 variant alleles, 2 heterozygotes.
Comment: This study involves interpretation of variants in research participants for the purpose of population health screening. Participant phenotype was not available at the time of variant classification. Additional details can be found in publication PMID: 35346344, PMCID: PMC8962531

Genome-Nilou Lab
Classification: Likely benign for Malignant hyperthermia, susceptibility to, 5. Last evaluated: 2023-04-11. Review status: criteria provided, single submitter. Criteria: ACMG Guidelines, 2015. Collection method: clinical testing. Allele origin: germline. Affected: no.

Genome-Nilou Lab
Classification: Likely benign for Thyrotoxic periodic paralysis, susceptibility to, 1. Last evaluated: 2023-04-11. Review status: criteria provided, single submitter. Criteria: ACMG Guidelines, 2015. Collection method: clinical testing. Allele origin: germline. Affected: no.

Genome-Nilou Lab
Classification: Likely benign for Congenital myopathy 18. Last evaluated: 2023-04-11. Review status: criteria provided, single submitter. Criteria: ACMG Guidelines, 2015. Collection method: clinical testing. Allele origin: germline. Affected: no.

Genome-Nilou Lab
Classification: Likely benign for Hypokalemic periodic paralysis, type 1. Last evaluated: 2023-04-11. Review status: criteria provided, single submitter. Criteria: ACMG Guidelines, 2015. Collection method: clinical testing. Allele origin: germline. Affected: no.

Color Diagnostics, LLC DBA Color Health
Classification: Likely benign for Malignant hyperthermia, susceptibility to, 5. Last evaluated: 2022-11-06. Review status: criteria provided, single submitter. Criteria: ACMG Guidelines, 2015. Collection method: clinical testing. Allele origin: germline.

Fulgent Genetics
Classification: Likely benign for Hypokalemic periodic paralysis, type 1; Thyrotoxic periodic paralysis, susceptibility to, 1; Malignant hyperthermia, susceptibility to, 5. Last evaluated: 2021-11-19. Review status: criteria provided, single submitter. Criteria: ACMG Guidelines, 2015. Collection method: clinical testing. Allele origin: unknown.

NM_000069.3(CACNA1S):c.4374C>T (p.Asp1458=)

Gene: CACNA1S (calcium voltage-gated channel subunit alpha1 S; minus strand). Cytogenetic location: 1q32.1.
Variant type: single nucleotide variant.
Coding change: c.4374C>T on transcript NM_000069.3 (MANE Select); coding-DNA position 4374, C replaced by T.
Protein change: p.Asp1458=; no amino-acid change (aspartic acid 1458 retained).
Molecular consequence: synonymous variant.
Genome position (GRCh38, 1-based): chr1:201,048,649, G>A on the plus strand (C>T on the coding strand, the complement: CACNA1S is on the minus strand). VCF-style: chr1-201048649-G-A. GRCh37 (hg19) VCF-style: chr1-201017777-G-A.
Identifiers: ClinVar variation 695797 (VCV000695797.15), dbSNP rs757017761, ClinGen allele CA083312.